The following is an entry in ClinVar:

NM_000517.6(HBA2):c.118_124delinsTACTTC (p.Thr40fs)

Genes: HBA2 (hemoglobin subunit alpha 2; plus strand), LOC106804612 (hemoglobin subunit alpha 2 recombination region; plus strand). Cytogenetic location: 16p13.3.
Variant type: Indel.
Coding change: c.118_124delinsTACTTC on transcript NM_000517.6 (MANE Select); coding-DNA positions 118 to 124, ACCAAGA replaced by TACTTC.
Protein change: p.Thr40fs; shifts the reading frame from threonine 40.
Molecular consequence: frameshift variant.
Genome position (GRCh38, 1-based): chr16:173,147-173,153, ACCAAGA replaced by TACTTC. VCF-style: chr16-173147-ACCAAGA-TACTTC. GRCh37 (hg19) VCF-style: chr16-223146-ACCAAGA-TACTTC.
Other names: c.118_124delACCAAGAinsTACTTC (NM_000517.5); short protein forms T40fs.
Identifiers: ClinVar variation 15657 (VCV000015657.3), dbSNP rs587776826, ClinGen allele CA125603.

ClinVar aggregate classification (germline): Pathogenic. Review status: criteria provided, single submitter (1 of 4 stars). 2 submissions from 2 submitters: Pathogenic (1). 1 of the submissions does not count toward it. Last evaluated 2025-08-01.

Conditions:
Alpha trait thalassemia. Identifiers: MedGen C0472762. Disease mechanism: loss of function.
alpha Thalassemia. Also called: Alpha thalassemia spectrum. Identifiers: Orphanet 846, MedGen C0002312, MONDO:0011399, OMIM 604131.

Submissions (2):

Natera, Inc.
Classification: Pathogenic for Alpha thalassemia. Last evaluated: 2025-08-01. Review status: criteria provided, single submitter. Criteria: Natera Variant Classification Schema (03/2026). Collection method: clinical testing. Allele origin: germline.
Comment: The c.118_124delACCAAGAinsTACTTC variant in HBA2 is a frameshift variant predicted to shift the reading frame beginning at codon 40 and leads to a stop codon 10 codons downstream. This variant is expected to result in nonsense mediated decay, truncation, or a dysfunctional protein product. This variant is rare in the general population with a frequency below the threshold expected for the associated phenotype(s). This variant has been observed in one or more individuals affected with the associated recessive disease, as either homozygous or compound heterozygous with a second variant (PMID: 9175734). Given the available evidence, this variant is classified as Pathogenic.

OMIM
Classification: Pathogenic for ALPHA-THALASSEMIA TRAIT. Last evaluated: 1997-06-01. Review status: no assertion criteria provided. Collection method: literature only. Allele origin: unknown. Not counted in ClinVar's aggregate classification.

Literature cited by the submitters: PubMed 9175734 (cited by Natera, Inc. and OMIM); PubMed 6985477 (cited by OMIM).